The following is an entry in ClinVar:

ClinVar aggregate classification (germline): Uncertain significance (1 of 4 stars; one submission).

Submission:

GeneDx
Classification: Uncertain significance. Last evaluated: 2024-10-07. Review status: criteria provided, single submitter. Criteria: GeneDx Variant Classification Process June 2021. Collection method: clinical testing. Allele origin: germline. Affected: yes.
Comment: Not observed at significant frequency in large population cohorts (gnomAD); Variant in the last nucleotide of the exon in a gene for which loss of function is a known mechanism of disease, and both splice predictors and evolutionary conservation support a deleterious effect, although in the absence of functional evidence the actual effect of this sequence change is unknown.; Has not been previously published as pathogenic or benign to our knowledge

NM_001385012.1(NBEA):c.4927G>A (p.Glu1643Lys)

Gene: NBEA (neurobeachin; plus strand). Cytogenetic location: 13q13.3.
Variant type: single nucleotide variant.
Coding change: c.4927G>A on transcript NM_001385012.1 (MANE Select); coding-DNA position 4927, G replaced by A.
Protein change: p.Glu1643Lys; replaces glutamic acid 1643 with lysine.
Molecular consequence: missense variant.
Genome position (GRCh38, 1-based): chr13:35,184,071, G>A. VCF-style: chr13-35184071-G-A. GRCh37 (hg19) VCF-style: chr13-35758208-G-A.
Other names: c.4918G>A, p.Glu1640Lys (NM_001379245.1); c.4927G>A, p.Glu1643Lys (NM_015678.5); short protein forms E1640K, E1643K.
Identifiers: ClinVar variation 3776572 (VCV003776572.1).